The following is an entry in ClinVar:

NM_001160372.4(TRAPPC9):c.1819A>G (p.Asn607Asp)

Gene: TRAPPC9 (trafficking protein particle complex subunit 9; minus strand). Cytogenetic location: 8q24.3.
Variant type: single nucleotide variant.
Coding change: c.1819A>G on transcript NM_001160372.4 (MANE Select); coding-DNA position 1819, A replaced by G.
Protein change: p.Asn607Asp; replaces asparagine 607 with aspartic acid.
Molecular consequence: missense variant. On other transcripts: non-coding transcript variant (1).
Genome position (GRCh38, 1-based): chr8:140,291,028, T>C on the plus strand (A>G on the coding strand, the complement: TRAPPC9 is on the minus strand). VCF-style: chr8-140291028-T-C. GRCh37 (hg19) VCF-style: chr8-141301127-T-C.
Other names: c.1792A>G, p.Asn598Asp (NM_001321646.2); c.1840A>G, p.Asn614Asp (NM_001374682.1); c.1819A>G, p.Asn607Asp (NM_001374683.1, NM_031466.8); c.1675A>G, p.Asn559Asp (NM_001374684.1); short protein forms N559D, N607D, N598D, N614D.
Identifiers: ClinVar variation 3393652 (VCV003393652.1).
Genomic context (GRCh38, chr8:140,291,028, plus strand): 5'-AGGTCAAATGATTGGTGATACATACCATGTTTTCAACTCGAAGTTCAAACGGCATTGGGT[T>C]ATATACCATCAGCTGAACTTCACACACATCTCCTTGAACCCACTGGAAATCTAGAAAATA-3'
Protein context (NP_001153844.1, residues 597-617): DVCEVQLMVY[Asn607Asp]PMPFELRVEN

ClinVar aggregate classification (germline): Uncertain significance (1 of 4 stars; one submission).

Submission:

GeneDx
Classification: Uncertain significance. Last evaluated: 2024-07-02. Review status: criteria provided, single submitter. Criteria: GeneDx Variant Classification Process June 2021. Collection method: clinical testing. Allele origin: germline. Affected: yes.
Comment: Not observed at significant frequency in large population cohorts (gnomAD); In silico analysis supports that this missense variant has a deleterious effect on protein structure/function; Has not been previously published as pathogenic or benign to our knowledge